The following is an entry in ClinVar:

ClinVar aggregate classification (germline): Uncertain significance. Review status: criteria provided, multiple submitters, no conflicts (2 of 4 stars). 2 submissions from 2 submitters: Uncertain significance (2). Last evaluated 2025-07-07.

Conditions:
Hereditary cancer-predisposing syndrome. Also called: Hereditary Cancer Syndrome; Hereditary neoplastic syndrome; Neoplastic Syndromes, Hereditary; Tumor predisposition. Identifiers: Orphanet 140162, MedGen C0027672, MeSH D009386, MONDO:0015356.

Submissions (2):

Labcorp Genetics (formerly Invitae), Labcorp
Classification: Uncertain significance. Last evaluated: 2025-07-07. Review status: criteria provided, single submitter. Criteria: Invitae Variant Classification Sherloc (09022015). Collection method: clinical testing. Allele origin: germline.
Comment: This sequence change replaces alanine, which is neutral and non-polar, with threonine, which is neutral and polar, at codon 503 of the POLE protein (p.Ala503Thr). This variant is not present in population databases (gnomAD no frequency). This variant has not been reported in the literature in individuals affected with POLE-related conditions. ClinVar contains an entry for this variant (Variation ID: 1774113). Invitae Evidence Modeling of protein sequence and biophysical properties (such as structural, functional, and spatial information, amino acid conservation, physicochemical variation, residue mobility, and thermodynamic stability) indicates that this missense variant is not expected to disrupt POLE protein function with a negative predictive value of 80%. In summary, the available evidence is currently insufficient to determine the role of this variant in disease. Therefore, it has been classified as a Variant of Uncertain Significance.

Ambry Genetics
Classification: Uncertain significance for Hereditary cancer-predisposing syndrome. Last evaluated: 2022-02-27. Review status: criteria provided, single submitter. Criteria: Ambry Variant Classification Scheme 2023. Collection method: clinical testing. Allele origin: germline.
Comment: The p.A503T variant (also known as c.1507G>A), located in coding exon 15 of the POLE gene, results from a G to A substitution at nucleotide position 1507. The alanine at codon 503 is replaced by threonine, an amino acid with similar properties. This amino acid position is conserved. In addition, this alteration is predicted to be tolerated by in silico analysis. Since supporting evidence is limited at this time, the clinical significance of this alteration remains unclear.

NM_006231.4(POLE):c.1507G>A (p.Ala503Thr)

Gene: POLE (DNA polymerase epsilon, catalytic subunit; minus strand). Cytogenetic location: 12q24.33.
Variant type: single nucleotide variant.
Coding change: c.1507G>A on transcript NM_006231.4 (MANE Select); coding-DNA position 1507, G replaced by A.
Protein change: p.Ala503Thr; replaces alanine 503 with threonine.
Molecular consequence: missense variant.
Genome position (GRCh38, 1-based): chr12:132,672,806, C>T on the plus strand (G>A on the coding strand, the complement: POLE is on the minus strand). VCF-style: chr12-132672806-C-T. GRCh37 (hg19) VCF-style: chr12-133249392-C-T.
Other names: short protein forms A503T.
Identifiers: ClinVar variation 1774113 (VCV001774113.7), dbSNP rs2542136392, ClinGen allele CA387357555.